The following is an entry in ClinVar:

ClinVar aggregate classification (germline): Uncertain significance. Review status: criteria provided, multiple submitters, no conflicts (2 of 4 stars). 3 submissions from 3 submitters: Uncertain significance (3). Last evaluated 2025-09-22.

Conditions:
Inborn genetic diseases. Identifiers: MedGen C0950123, MeSH D030342.
Floating-Harbor syndrome (FLHS). Also called: SRCAP-Related Floating-Harbor Syndrome; Short stature with delayed bone age, expressive language delay, a triangular face with a prominent nose and deep-set eyes; Pelletier-Leisti syndrome. Identifiers: Orphanet 2044, MedGen C0729582, MONDO:0007621, OMIM 136140.

Allele frequency attached by ClinVar (database versions not stated): gnomAD 0.00001; gnomAD exomes 0.00001 and 0.00002; ExAC 0.00002; TOPMed 0.00002.
gnomAD v4.1: 26 of 1,613,696 alleles (0.0016%); highest among the groups gnomAD compares: Non-Finnish European, 0.0021%; no homozygotes.

Submissions (3):

Labcorp Genetics (formerly Invitae), Labcorp
Classification: Uncertain significance. Last evaluated: 2025-09-22. Review status: criteria provided, single submitter. Criteria: Invitae Variant Classification Sherloc (09022015). Collection method: clinical testing. Allele origin: germline.
Comment: This sequence change replaces glycine, which is neutral and non-polar, with alanine, which is neutral and non-polar, at codon 1761 of the SRCAP protein (p.Gly1761Ala). This variant is present in population databases (rs767130314, gnomAD 0.002%). This variant has not been reported in the literature in individuals affected with SRCAP-related conditions. ClinVar contains an entry for this variant (Variation ID: 1213756). Invitae Evidence Modeling of protein sequence and biophysical properties (such as structural, functional, and spatial information, amino acid conservation, physicochemical variation, residue mobility, and thermodynamic stability) indicates that this missense variant is not expected to disrupt SRCAP protein function with a negative predictive value of 80%. In summary, the available evidence is currently insufficient to determine the role of this variant in disease. Therefore, it has been classified as a Variant of Uncertain Significance.

Ambry Genetics
Classification: Uncertain significance for Inborn genetic diseases. Last evaluated: 2025-02-06. Review status: criteria provided, single submitter. Criteria: Ambry Variant Classification Scheme 2023. Collection method: clinical testing. Allele origin: germline.

New York Genome Center
Classification: Uncertain significance for Floating-Harbor syndrome. Last evaluated: 2020-11-17. Review status: criteria provided, single submitter. Criteria: NYGC Assertion Criteria 2020. Collection method: clinical testing. Allele origin: germline. Observed: 1 heterozygote. Study: CSER-NYCKidSeq.

NM_006662.3(SRCAP):c.5282G>C (p.Gly1761Ala)

Gene: SRCAP (Snf2 related CREBBP activator protein; plus strand). Cytogenetic location: 16p11.2.
Variant type: single nucleotide variant.
Coding change: c.5282G>C on transcript NM_006662.3 (MANE Select); coding-DNA position 5282, G replaced by C.
Protein change: p.Gly1761Ala; replaces glycine 1761 with alanine.
Molecular consequence: missense variant.
Genome position (GRCh38, 1-based): chr16:30,724,706, G>C. VCF-style: chr16-30724706-G-C. GRCh37 (hg19) VCF-style: chr16-30736027-G-C.
Other names: c.5282G>C (NM_006662.2); short protein forms G1761A.
Identifiers: ClinVar variation 1213756 (VCV001213756.7), dbSNP rs767130314, ClinGen allele CA8011935.